The following is an entry in ClinVar:

NM_004333.6(BRAF):c.1447A>G (p.Lys483Glu)

Gene: BRAF (B-Raf proto-oncogene, serine/threonine kinase; minus strand). Cytogenetic location: 7q34.
Variant type: single nucleotide variant.
Coding change: c.1447A>G on transcript NM_004333.6 (MANE Select); coding-DNA position 1447, A replaced by G.
Protein change: p.Lys483Glu; replaces lysine 483 with glutamic acid.
Molecular consequence: missense variant.
Genome position (GRCh38, 1-based): chr7:140,778,061, T>C on the plus strand (A>G on the coding strand, the complement: BRAF is on the minus strand). VCF-style: chr7-140778061-T-C. GRCh37 (hg19) VCF-style: chr7-140477861-T-C.
Other names: c.1447A>G, p.Lys483Glu (NM_001354609.2, NM_001378468.1, NM_001378474.1); c.1567A>G, p.Lys523Glu (NM_001374244.1, NM_001374258.1); c.1456A>G, p.Lys486Glu (NM_001378467.1); c.1381A>G, p.Lys461Glu (NM_001378469.1); c.1345A>G, p.Lys449Glu (NM_001378470.1); c.1336A>G, p.Lys446Glu (NM_001378471.1); c.1291A>G, p.Lys431Glu (NM_001378472.1, NM_001378473.1); c.1183A>G, p.Lys395Glu (NM_001378475.1); short protein forms K395E, K449E, K461E, K486E, K523E, K483E, K431E, K446E.
Identifiers: ClinVar variation 1418218 (VCV001418218.8), dbSNP rs397507474, ClinGen allele CA369588495.

ClinVar aggregate classification (germline): Uncertain significance (1 of 4 stars; one submission).

Conditions:
RASopathy. Also called: rasopathies; Noonan spectrum disorder. Identifiers: Orphanet 536391, MedGen C5555857, MONDO:0021060.

Allele frequency attached by ClinVar (database versions not stated): gnomAD exomes below 0.00001.

Submission:

Labcorp Genetics (formerly Invitae), Labcorp
Classification: Uncertain significance for RASopathy. Last evaluated: 2021-03-31. Review status: criteria provided, single submitter. Criteria: Invitae Variant Classification Sherloc (09022015). Collection method: clinical testing. Allele origin: germline.
Comment: Advanced modeling of protein sequence and biophysical properties (such as structural, functional, and spatial information, amino acid conservation, physicochemical variation, residue mobility, and thermodynamic stability) performed at Invitae indicates that this missense variant is expected to disrupt BRAF protein function. In summary, the available evidence is currently insufficient to determine the role of this variant in disease. Therefore, it has been classified as a Variant of Uncertain Significance. This variant has not been reported in the literature in individuals with BRAF-related conditions. This variant is not present in population databases (ExAC no frequency). This sequence change replaces lysine with glutamic acid at codon 483 of the BRAF protein (p.Lys483Glu). The lysine residue is highly conserved and there is a small physicochemical difference between lysine and glutamic acid.